The following is an entry in ClinVar:

NM_001330078.2(NRXN1):c.663G>T (p.Glu221Asp)

Gene: NRXN1 (neurexin 1; minus strand). Cytogenetic location: 2p16.3.
Variant type: single nucleotide variant.
Coding change: c.663G>T on transcript NM_001330078.2 (MANE Select); coding-DNA position 663, G replaced by T.
Protein change: p.Glu221Asp; replaces glutamic acid 221 with aspartic acid.
Molecular consequence: missense variant.
Genome position (GRCh38, 1-based): chr2:51,027,611, C>A on the plus strand (G>T on the coding strand, the complement: NRXN1 is on the minus strand). VCF-style: chr2-51027611-C-A. GRCh37 (hg19) VCF-style: chr2-51254749-C-A.
Other names: c.663G>T, p.Glu221Asp (NM_001330079.2, NM_001330081.2, NM_001330082.2 and 15 more transcripts); short protein forms E221D.
Identifiers: ClinVar variation 3727955 (VCV003727955.2).

ClinVar aggregate classification (germline): Uncertain significance (1 of 4 stars; one submission).

Conditions:
Pitt-Hopkins-like syndrome 2 (PTHSL2). Identifiers: Orphanet 221150, Orphanet 600663, MedGen C3280479, MONDO:0013690, OMIM 614325.

Submission:

Labcorp Genetics (formerly Invitae), Labcorp
Classification: Uncertain significance for Pitt-Hopkins-like syndrome 2. Last evaluated: 2024-12-24. Review status: criteria provided, single submitter. Criteria: Invitae Variant Classification Sherloc (09022015). Collection method: clinical testing. Allele origin: germline.
Comment: This sequence change replaces glutamic acid, which is acidic and polar, with aspartic acid, which is acidic and polar, at codon 221 of the NRXN1 protein (p.Glu221Asp). This variant is not present in population databases (gnomAD no frequency). This variant has not been reported in the literature in individuals affected with NRXN1-related conditions. An algorithm developed to predict the effect of missense changes on protein structure and function outputs the following: PolyPhen-2: "Benign". The aspartic acid amino acid residue is found in multiple mammalian species, which suggests that this missense change does not adversely affect protein function. In summary, the available evidence is currently insufficient to determine the role of this variant in disease. Therefore, it has been classified as a Variant of Uncertain Significance.